The following is an entry in ClinVar:

ClinVar aggregate classification (germline): Likely benign. Review status: criteria provided, multiple submitters, no conflicts (2 of 4 stars). 3 submissions from 3 submitters: Likely benign (3). Last evaluated 2025-12-01.

Conditions:
WNK1-related disorder. Also called: WNK1-related condition.
Neuropathy, hereditary sensory and autonomic, type 2A (HSAN2A). Also called: ACROOSTEOLYSIS, GIACCAI TYPE; ACROOSTEOLYSIS, NEUROGENIC; MORVAN DISEASE; NEUROPATHY, CONGENITAL SENSORY; NEUROPATHY, HEREDITARY SENSORY RADICULAR, AUTOSOMAL RECESSIVE; NEUROPATHY, HEREDITARY SENSORY, TYPE IIA. Identifiers: Orphanet 970, MedGen C2752089, MONDO:0024309, OMIM 201300.
Pseudohypoaldosteronism type 2C (PHA2C). Also called: Pseudohypoaldosteronism Type IIC. Identifiers: Orphanet 757, Orphanet 88940, MedGen C1840391, MONDO:0013778, OMIM 614492.

Allele frequency attached by ClinVar (database versions not stated): ExAC 0.00002; gnomAD exomes 0.00002; gnomAD 0.00003 and 0.00004; TOPMed 0.00005.
gnomAD v4.1: 8 of 1,614,094 alleles (0.0005%); highest among the groups gnomAD compares: African/African-American, 0.0093%; no homozygotes.

Submissions (3):

PreventionGenetics, part of Exact Sciences
Classification: Likely benign for WNK1-related condition. Last evaluated: 2025-12-01. Review status: criteria provided, single submitter. Criteria: ACMG Guidelines, 2015. Collection method: clinical testing. Allele origin: germline.
Comment: This variant is classified as likely benign based on ACMG/AMP sequence variant interpretation guidelines (Richards et al. 2015 PMID: 25741868, with internal and published modifications).

Labcorp Genetics (formerly Invitae), Labcorp
Classification: Likely benign for Neuropathy, hereditary sensory and autonomic, type 2A; Pseudohypoaldosteronism type 2C. Last evaluated: 2024-09-17. Review status: criteria provided, single submitter. Criteria: Invitae Variant Classification Sherloc (09022015). Collection method: clinical testing. Allele origin: germline.

Fulgent Genetics
Classification: Likely benign for Neuropathy, hereditary sensory and autonomic, type 2A; Pseudohypoaldosteronism type 2C. Last evaluated: 2022-02-03. Review status: criteria provided, single submitter. Criteria: ACMG Guidelines, 2015. Collection method: clinical testing. Allele origin: unknown.

NM_018979.4(WNK1):c.4947T>C (p.Ile1649=)

Gene: WNK1 (WNK lysine deficient protein kinase 1; plus strand). Cytogenetic location: 12p13.33.
Variant type: single nucleotide variant.
Coding change: c.4947T>C on transcript NM_018979.4 (MANE Select); coding-DNA position 4947, T replaced by C.
Protein change: p.Ile1649=; no amino-acid change (isoleucine 1649 retained).
Molecular consequence: synonymous variant.
Genome position (GRCh38, 1-based): chr12:885,751, T>C. VCF-style: chr12-885751-T-C. GRCh37 (hg19) VCF-style: chr12-994917-T-C.
Other names: c.5727T>C, p.Ile1909= (NM_001184985.2); c.4206T>C, p.Ile1402= (NM_014823.3); c.5703T>C, p.Ile1901= (NM_213655.5); c.4947T>C (NM_018979.3).
Identifiers: ClinVar variation 1119365 (VCV001119365.11), dbSNP rs758667627, ClinGen allele CA6383050.